The following is an entry in ClinVar:

ClinVar aggregate classification (germline): Uncertain significance (1 of 4 stars; one submission).

Conditions:
Inborn genetic diseases. Identifiers: MedGen C0950123, MeSH D030342.

Submission:

Ambry Genetics
Classification: Uncertain significance for Inborn genetic diseases. Last evaluated: 2026-07-28. Review status: criteria provided, single submitter. Criteria: Ambry Variant Classification Scheme 2023. Collection method: clinical testing. Allele origin: germline.
Comment: The p.M713T variant (also known as c.2138T>C), located in coding exon 13 of the ASXL1 gene, results from a T to C substitution at nucleotide position 2138. The methionine at codon 713 is replaced by threonine, an amino acid with similar properties. This amino acid position is conserved. In addition, this alteration is predicted to be tolerated by in silico analysis. Based on the available evidence, the clinical significance of this variant remains unclear.

NM_015338.6(ASXL1):c.2138T>C (p.Met713Thr)

Gene: ASXL1 (ASXL transcriptional regulator 1; plus strand). Cytogenetic location: 20q11.21.
Variant type: single nucleotide variant.
Coding change: c.2138T>C on transcript NM_015338.6 (MANE Select); coding-DNA position 2138, T replaced by C.
Protein change: p.Met713Thr; replaces methionine 713 with threonine.
Molecular consequence: missense variant.
Genome position (GRCh38, 1-based): chr20:32,434,850, T>C. VCF-style: chr20-32434850-T-C. GRCh37 (hg19) VCF-style: chr20-31022653-T-C.
Other names: c.1955T>C, p.Met652Thr (NM_001363734.1); short protein forms M652T, M713T.
Identifiers: ClinVar variation 5030113 (VCV005030113.1).